The following is an entry in ClinVar:

ClinVar aggregate classification (germline): Benign/Likely benign. Review status: criteria provided, multiple submitters, no conflicts (2 of 4 stars). 4 submissions from 4 submitters: Benign (2); Likely benign (1). 1 of the submissions does not count toward it. Last evaluated 2026-04-01.

Conditions:
TRMT5-related disorder. Also called: TRMT5-related condition.

Allele frequency attached by ClinVar (database versions not stated): 1000 Genomes Project 30x 0.00125; 1000 Genomes Project 0.00160; TOPMed 0.00191; ESP Exome Variant Server 0.00223; gnomAD 0.00289 and 0.00299.

Submissions (4):

CeGaT Center for Human Genetics Tuebingen
Classification: Likely benign. Last evaluated: 2026-04-01. Review status: criteria provided, single submitter. Criteria: CeGaT Center For Human Genetics Tuebingen Variant Classification Criteria Version 2. Collection method: clinical testing. Allele origin: germline. Affected: yes. Observed: 12 variant alleles.
Comment: TRMT5: BP4, BS2

Labcorp Genetics (formerly Invitae), Labcorp
Classification: Benign. Last evaluated: 2026-02-01. Review status: criteria provided, single submitter. Criteria: Invitae Variant Classification Sherloc (09022015). Collection method: clinical testing. Allele origin: germline.

Breakthrough Genomics
Classification: Benign. Review status: criteria provided, single submitter. Criteria: ACMG Guidelines, 2015. Collection method: not provided. Allele origin: germline. Inheritance: Autosomal recessive inheritance. Affected: yes.

PreventionGenetics, part of Exact Sciences
Classification: Benign for TRMT5-related condition. Last evaluated: 2019-06-21. Review status: no assertion criteria provided. Collection method: clinical testing. Allele origin: germline. Not counted in ClinVar's aggregate classification.
Comment: This variant is classified as benign based on ACMG/AMP sequence variant interpretation guidelines (Richards et al. 2015 PMID: 25741868, with internal and published modifications).

NM_020810.3(TRMT5):c.469A>T (p.Ser157Cys)

Gene: TRMT5 (tRNA methyltransferase 5; minus strand). Cytogenetic location: 14q23.1.
Variant type: single nucleotide variant.
Coding change: c.469A>T on transcript NM_020810.3 (MANE Select); coding-DNA position 469, A replaced by T.
Protein change: p.Ser157Cys; replaces serine 157 with cysteine.
Molecular consequence: missense variant.
Genome position (GRCh38, 1-based): chr14:60,979,429, T>A on the plus strand (A>T on the coding strand, the complement: TRMT5 is on the minus strand). VCF-style: chr14-60979429-T-A. GRCh37 (hg19) VCF-style: chr14-61446147-T-A.
Other names: c.553A>T, p.Ser185Cys (NM_001350253.1); c.550A>T, p.Ser184Cys (NM_001350254.1); short protein forms S185C, S157C, S184C.
Identifiers: ClinVar variation 779446 (VCV000779446.34), dbSNP rs115400838, ClinGen allele CA7213915.